The following is an entry in ClinVar:

NM_015122.3(FCHO1):c.920+21G>A

Gene: FCHO1 (FCH and mu domain containing endocytic adaptor 1; plus strand). Cytogenetic location: 19p13.11.
Variant type: single nucleotide variant.
Coding change: c.920+21G>A on transcript NM_015122.3 (MANE Select); 21 bases into the intron after coding-DNA position 920, G replaced by A.
Molecular consequence: intron variant.
Genome position (GRCh38, 1-based): chr19:17,774,499, G>A. VCF-style: chr19-17774499-G-A. GRCh37 (hg19) VCF-style: chr19-17885308-G-A.
Other names: c.920+21G>A (NM_001384370.1, NM_001384396.1, NM_001384404.1 and 25 more transcripts); c.845+21G>A (NM_001384390.1); c.770+21G>A (NM_001384406.1, NM_001384407.1, NM_001384384.1 and 3 more transcripts); c.875+21G>A (NM_001384403.1); c.881+21G>A (NM_001384388.1, NM_001384405.1, NM_001384389.1).
Identifiers: ClinVar variation 2687993 (VCV002687993.2), dbSNP rs2287858, ClinGen allele CA9300288.

ClinVar aggregate classification (germline): Benign (1 of 4 stars; one submission).

Allele frequency attached by ClinVar (database versions not stated): ESP Exome Variant Server 0.45910; gnomAD 0.47628; ExAC 0.47975; TOPMed 0.49652; 1000 Genomes Project 30x 0.57433; 1000 Genomes Project 0.57628.
gnomAD v4.1: 700,195 of 1,601,306 alleles (44%); highest among the groups gnomAD compares: East Asian, 77%; 159,387 homozygotes.

Submission:

Unidad de Genómica Garrahan, Hospital de Pediatría Garrahan
Classification: Benign. Last evaluated: 2024-01-24. Review status: criteria provided, single submitter. Criteria: ACMG Guidelines, 2015. Collection method: clinical testing. Allele origin: germline. Affected: no. Observed: 71 variant alleles.
Comment: This variant is classified as Benign based on local population frequency. This variant was detected in 75% of patients studied by a panel of primary immunodeficiencies. Number of patients: 71. Only high quality variants are reported.